The following is an entry in ClinVar:

NM_001458.5(FLNC):c.4472T>C (p.Val1491Ala)

Gene: FLNC (filamin C; plus strand). Cytogenetic location: 7q32.1.
Variant type: single nucleotide variant.
Coding change: c.4472T>C on transcript NM_001458.5 (MANE Select); coding-DNA position 4472, T replaced by C.
Protein change: p.Val1491Ala; replaces valine 1491 with alanine.
Molecular consequence: missense variant.
Genome position (GRCh38, 1-based): chr7:128,847,960, T>C. VCF-style: chr7-128847960-T-C. GRCh37 (hg19) VCF-style: chr7-128488014-T-C.
Other names: c.4472T>C, p.Val1491Ala (NM_001127487.2); short protein forms V1491A.
Identifiers: ClinVar variation 3757433 (VCV003757433.2).

ClinVar aggregate classification (germline): Uncertain significance (1 of 4 stars; one submission).

Conditions:
Distal myopathy with posterior leg and anterior hand involvement. Also called: WILLIAMS DISTAL MYOPATHY. Identifiers: Orphanet 63273, MedGen C3279722, MONDO:0013550, OMIM 614065.
Hypertrophic cardiomyopathy 26. Also called: Cardiomyopathy, familial hypertrophic, 26. Identifiers: Orphanet 75249, MedGen C4310749, MONDO:0014883, OMIM 617047.
Myofibrillar myopathy 5. Also called: Filaminopathy (type); FILAMINOPATHY, AUTOSOMAL DOMINANT. Identifiers: Orphanet 171445, MedGen C1836050, MONDO:0012289, OMIM 609524.

Submission:

Labcorp Genetics (formerly Invitae), Labcorp
Classification: Uncertain significance for Distal myopathy with posterior leg and anterior hand involvement; Myofibrillar myopathy 5; Hypertrophic cardiomyopathy 26. Last evaluated: 2024-07-27. Review status: criteria provided, single submitter. Criteria: Invitae Variant Classification Sherloc (09022015). Collection method: clinical testing. Allele origin: germline.
Comment: This sequence change replaces valine, which is neutral and non-polar, with alanine, which is neutral and non-polar, at codon 1491 of the FLNC protein (p.Val1491Ala). This variant is not present in population databases (gnomAD no frequency). This variant has not been reported in the literature in individuals affected with FLNC-related conditions. Advanced modeling of protein sequence and biophysical properties (such as structural, functional, and spatial information, amino acid conservation, physicochemical variation, residue mobility, and thermodynamic stability) has been performed at Invitae for this missense variant, however the output from this modeling did not meet the statistical confidence thresholds required to predict the impact of this variant on FLNC protein function. In summary, the available evidence is currently insufficient to determine the role of this variant in disease. Therefore, it has been classified as a Variant of Uncertain Significance.